The following is an entry in ClinVar:

NM_000038.6(APC):c.4750C>A (p.Pro1584Thr)

Gene: APC (APC regulator of WNT signaling pathway; plus strand). Cytogenetic location: 5q22.2.
Variant type: single nucleotide variant.
Coding change: c.4750C>A on transcript NM_000038.6 (MANE Select); coding-DNA position 4750, C replaced by A.
Protein change: p.Pro1584Thr; replaces proline 1584 with threonine.
Molecular consequence: missense variant. On other transcripts: non-coding transcript variant (2).
Genome position (GRCh38, 1-based): chr5:112,840,344, C>A. VCF-style: chr5-112840344-C-A. GRCh37 (hg19) VCF-style: chr5-112176041-C-A.
Other names: c.4750C>A, p.Pro1584Thr (NM_001127510.3, NM_001354895.2, NM_001407450.1); c.4696C>A, p.Pro1566Thr (NM_001127511.3); c.4804C>A, p.Pro1602Thr (NM_001354896.2, NM_001407447.1, NM_001407448.1 and 1 more transcripts); c.4780C>A, p.Pro1594Thr (NM_001354897.2); c.4675C>A, p.Pro1559Thr (NM_001354898.2); c.4666C>A, p.Pro1556Thr (NM_001354899.2); c.4627C>A, p.Pro1543Thr (NM_001354900.2); c.4573C>A, p.Pro1525Thr (NM_001354901.2, NM_001407453.1); and 11 more; short protein forms P1200T, P1301T, P1424T, P1455T, P1458T, P1483T, P1493T, P1501T.
Identifiers: ClinVar variation 3072801 (VCV003072801.1), dbSNP rs1765758374, ClinGen allele CA16031747.

ClinVar aggregate classification (germline): Uncertain significance (1 of 4 stars; one submission).

Conditions:
Classic or attenuated familial adenomatous polyposis. Identifiers: MedGen CN372698, MONDO:0021057.

Submission:

All of Us Research Program, National Institutes of Health
Classification: Uncertain significance for Classic or attenuated familial adenomatous polyposis. Last evaluated: 2023-08-15. Review status: criteria provided, single submitter. Criteria: ACMG Guidelines, 2015. Collection method: clinical testing. Allele origin: germline. Inheritance: Autosomal dominant inheritance. Observed: 1 variant allele, 1 heterozygote.
Comment: This study involves interpretation of variants in research participants for the purpose of population health screening. Participant phenotype was not available at the time of variant classification. Additional details can be found in publication PMID: 35346344, PMCID: PMC8962531